The following is an entry in ClinVar:

NM_015329.4(MAU2):c.1767+5G>A

Gene: MAU2 (MAU2 sister chromatid cohesion factor; plus strand). Cytogenetic location: 19p13.11.
Variant type: single nucleotide variant.
Coding change: c.1767+5G>A on transcript NM_015329.4 (MANE Select); 5 bases into the intron after coding-DNA position 1767, G replaced by A.
Molecular consequence: intron variant.
Genome position (GRCh38, 1-based): chr19:19,355,396, G>A. VCF-style: chr19-19355396-G-A. GRCh37 (hg19) VCF-style: chr19-19466205-G-A.
Identifiers: ClinVar variation 3251174 (VCV003251174.18), dbSNP rs2048166222.

ClinVar aggregate classification (germline): Uncertain significance (1 of 4 stars; one submission).

Submission:

CeGaT Center for Human Genetics Tuebingen
Classification: Uncertain significance. Last evaluated: 2024-06-01. Review status: criteria provided, single submitter. Criteria: CeGaT Center For Human Genetics Tuebingen Variant Classification Criteria Version 2. Collection method: clinical testing. Allele origin: germline. Affected: yes. Observed: 1 variant allele.
Comment: MAU2: PM2, PP3